The following is an entry in ClinVar:

NM_016169.4(SUFU):c.222C>G (p.Tyr74Ter)

Gene: SUFU (SUFU negative regulator of hedgehog signaling; plus strand). Cytogenetic location: 10q24.32.
Variant type: single nucleotide variant.
Coding change: c.222C>G on transcript NM_016169.4 (MANE Select); coding-DNA position 222, C replaced by G.
Protein change: p.Tyr74Ter; replaces tyrosine 74 with a stop codon.
Molecular consequence: nonsense.
Genome position (GRCh38, 1-based): chr10:102,509,208, C>G. VCF-style: chr10-102509208-C-G. GRCh37 (hg19) VCF-style: chr10-104268965-C-G.
Other names: c.222C>G, p.Tyr74Ter (NM_001178133.2); short protein forms Y74*.
Identifiers: ClinVar variation 2135261 (VCV002135261.4), dbSNP rs2135620210, ClinGen allele CA377888487.

ClinVar aggregate classification (germline): Pathogenic (1 of 4 stars; one submission).

Conditions:
Gorlin syndrome. Also called: Basal cell nevus syndrome; Nevoid Basal Cell Carcinoma Syndrome. Identifiers: Orphanet 377, MedGen C0004779, MONDO:0007187.
Medulloblastoma (MDB). Also called: Medulloblastoma, somatic; MEDULLOBLASTOMA PREDISPOSITION SYNDROME. Identifiers: Orphanet 616, MedGen C0025149, MeSH D008527, MONDO:0007959, OMIM 155255, HP:0002885.

Submission:

Labcorp Genetics (formerly Invitae), Labcorp
Classification: Pathogenic for Gorlin syndrome; Medulloblastoma. Last evaluated: 2022-05-07. Review status: criteria provided, single submitter. Criteria: Invitae Variant Classification Sherloc (09022015). Collection method: clinical testing. Allele origin: germline.
Comment: For these reasons, this variant has been classified as Pathogenic. This variant has not been reported in the literature in individuals affected with SUFU-related conditions. This variant is not present in population databases (gnomAD no frequency). This sequence change creates a premature translational stop signal (p.Tyr74*) in the SUFU gene. It is expected to result in an absent or disrupted protein product. Loss-of-function variants in SUFU are known to be pathogenic (PMID: 22508808, 25403219).

Literature cited by the submitters: PubMed 22508808; PubMed 25403219.